The following is an entry in ClinVar:

ClinVar aggregate classification (germline): Uncertain significance (1 of 4 stars; one submission).

Allele frequency attached by ClinVar (database versions not stated): ExAC 0.00001; gnomAD exomes 0.00001; gnomAD 0.00002; TOPMed 0.00004.
gnomAD v4.1: 17 of 1,612,848 alleles (0.0011%); highest among the groups gnomAD compares: Admixed American, 0.0067%; no homozygotes.

Submission:

Labcorp Genetics (formerly Invitae), Labcorp
Classification: Uncertain significance. Last evaluated: 2022-08-10. Review status: criteria provided, single submitter. Criteria: Invitae Variant Classification Sherloc (09022015). Collection method: clinical testing. Allele origin: germline.
Comment: This variant is present in population databases (rs749689794, gnomAD 0.01%). This sequence change replaces glutamic acid, which is acidic and polar, with lysine, which is basic and polar, at codon 216 of the IL2RB protein (p.Glu216Lys). This variant has not been reported in the literature in individuals affected with IL2RB-related conditions. In summary, the available evidence is currently insufficient to determine the role of this variant in disease. Therefore, it has been classified as a Variant of Uncertain Significance. Algorithms developed to predict the effect of missense changes on protein structure and function output the following: SIFT: "Tolerated"; PolyPhen-2: "Benign"; Align-GVGD: "Class C0". The lysine amino acid residue is found in multiple mammalian species, which suggests that this missense change does not adversely affect protein function.

NM_000878.5(IL2RB):c.646G>A (p.Glu216Lys)

Gene: IL2RB (interleukin 2 receptor subunit beta; minus strand). Cytogenetic location: 22q12.3.
Variant type: single nucleotide variant.
Coding change: c.646G>A on transcript NM_000878.5 (MANE Select); coding-DNA position 646, G replaced by A.
Protein change: p.Glu216Lys; replaces glutamic acid 216 with lysine.
Molecular consequence: missense variant.
Genome position (GRCh38, 1-based): chr22:37,136,285, C>T on the plus strand (G>A on the coding strand, the complement: IL2RB is on the minus strand). VCF-style: chr22-37136285-C-T. GRCh37 (hg19) VCF-style: chr22-37532325-C-T.
Other names: c.646G>A, p.Glu216Lys (NM_001346222.1, NM_001346223.2); short protein forms E216K.
Identifiers: ClinVar variation 2190317 (VCV002190317.2), dbSNP rs749689794, ClinGen allele CA10216562.